The following is an entry in ClinVar:

ClinVar aggregate classification (germline): Pathogenic. Review status: criteria provided, single submitter (1 of 4 stars). 2 submissions from 2 submitters: Pathogenic (1). 1 of the submissions does not count toward it. Last evaluated 2020-05-28.

Conditions:
Smith-Lemli-Opitz syndrome (SLOS). Also called: LETHAL ACRODYSGENITAL SYNDROME; POLYDACTYLY, SEX REVERSAL, RENAL HYPOPLASIA, AND UNILOBAR LUNG; RSH SYNDROME; RUTLEDGE LETHAL MULTIPLE CONGENITAL ANOMALY SYNDROME; 7-Dehydrocholesterol reductase deficiency. Identifiers: Orphanet 818, MedGen C0175694, MONDO:0010035, OMIM 270400.

Submissions (2):

Labcorp Genetics (formerly Invitae), Labcorp
Classification: Pathogenic for Smith-Lemli-Opitz syndrome. Last evaluated: 2020-05-28. Review status: criteria provided, single submitter. Criteria: Invitae Variant Classification Sherloc (09022015). Collection method: clinical testing. Allele origin: germline.
Comment: This sequence change replaces phenylalanine with serine at codon 235 of the DHCR7 protein (p.Phe235Ser). The phenylalanine residue is highly conserved and there is a large physicochemical difference between phenylalanine and serine. This variant is not present in population databases (ExAC no frequency). This variant has been observed in individual(s) with Smith-Lemli-Opitz syndrome (PMID: 15896653, Invitae). In at least one individual the data is consistent with the variant being in trans (on the opposite chromosome) from a pathogenic variant. ClinVar contains an entry for this variant (Variation ID: 550877). Algorithms developed to predict the effect of missense changes on protein structure and function (SIFT, PolyPhen-2, Align-GVGD) all suggest that this variant is likely to be disruptive, but these predictions have not been confirmed by published functional studies and their clinical significance is uncertain. For these reasons, this variant has been classified as Pathogenic.

Counsyl
Classification: Uncertain significance for Smith-Lemli-Opitz syndrome. Last evaluated: 2017-02-27. Review status: no assertion criteria provided. Collection method: clinical testing. Allele origin: unknown. Not counted in ClinVar's aggregate classification.

Literature cited by the submitters: PubMed 15896653 (cited by Labcorp Genetics (formerly Invitae), Labcorp and Counsyl).

NM_001360.3(DHCR7):c.704T>C (p.Phe235Ser)

Gene: DHCR7 (7-dehydrocholesterol reductase; minus strand). Cytogenetic location: 11q13.4.
Variant type: single nucleotide variant.
Coding change: c.704T>C on transcript NM_001360.3 (MANE Select); coding-DNA position 704, T replaced by C.
Protein change: p.Phe235Ser; replaces phenylalanine 235 with serine.
Molecular consequence: missense variant.
Genome position (GRCh38, 1-based): chr11:71,439,006, A>G on the plus strand (T>C on the coding strand, the complement: DHCR7 is on the minus strand). VCF-style: chr11-71439006-A-G. GRCh37 (hg19) VCF-style: chr11-71150052-A-G.
Other names: c.704T>C, p.Phe235Ser (NM_001163817.2); short protein forms F235S.
Identifiers: ClinVar variation 550877 (VCV000550877.12), dbSNP rs1555146061, ClinGen allele CA381703447.